The following is an entry in ClinVar:

ClinVar aggregate classification (germline): Uncertain significance (1 of 4 stars; one submission).

Conditions:
Hereditary cancer-predisposing syndrome. Also called: Hereditary Cancer Syndrome; Hereditary neoplastic syndrome; Neoplastic Syndromes, Hereditary; Tumor predisposition. Identifiers: Orphanet 140162, MedGen C0027672, MeSH D009386, MONDO:0015356.

Submission:

Ambry Genetics
Classification: Uncertain significance for Hereditary cancer-predisposing syndrome. Last evaluated: 2022-06-15. Review status: criteria provided, single submitter. Criteria: Ambry Variant Classification Scheme 2023. Collection method: clinical testing. Allele origin: germline.
Comment: The p.L325I variant (also known as c.973C>A), located in coding exon 4 of the BLM gene, results from a C to A substitution at nucleotide position 973. The leucine at codon 325 is replaced by isoleucine, an amino acid with highly similar properties. This amino acid position is conserved. In addition, this alteration is predicted to be tolerated by in silico analysis. Since supporting evidence is limited at this time, the clinical significance of this alteration remains unclear.

NM_000057.4(BLM):c.973C>A (p.Leu325Ile)

Gene: BLM (BLM RecQ like helicase; plus strand). Cytogenetic location: 15q26.1.
Variant type: single nucleotide variant.
Coding change: c.973C>A on transcript NM_000057.4 (MANE Select); coding-DNA position 973, C replaced by A.
Protein change: p.Leu325Ile; replaces leucine 325 with isoleucine.
Molecular consequence: missense variant. On other transcripts: 5 prime UTR variant (1).
Genome position (GRCh38, 1-based): chr15:90,754,824, C>A. VCF-style: chr15-90754824-C-A. GRCh37 (hg19) VCF-style: chr15-91298054-C-A.
Other names: c.973C>A, p.Leu325Ile (NM_001287246.2, NM_001287247.2); c.-319C>A (NM_001287248.2); short protein forms L325I.
Identifiers: ClinVar variation 1768041 (VCV001768041.2), dbSNP rs2151152065, ClinGen allele CA393842008.